The following is an entry in ClinVar:

ClinVar aggregate classification (germline): Benign/Likely benign. Review status: criteria provided, multiple submitters, no conflicts (2 of 4 stars). 6 submissions from 4 submitters: Benign (1); Likely benign (4). 1 of the submissions does not count toward it. Last evaluated 2026-01-22.

Conditions:
Schöpf-Schulz-Passarge syndrome. Also called: ECCRINE TUMORS WITH ECTODERMAL DYSPLASIA; KERATOSIS PALMOPLANTARIS WITH CYSTIC EYELIDS, HYPODONTIA, AND HYPOTRICHOSIS; SchC6pf-Schulz-Passarge syndrome. Identifiers: Orphanet 50944, MedGen C1857069, MONDO:0009145, OMIM 224750.
Tooth agenesis, selective, 4 (STHAG4). Also called: SUCCEDANEOUS TEETH, AGENESIS OF; LATERAL INCISORS, ABSENCE OF; LATERAL INCISORS, PEGGED OR MISSING; TOOTH AGENESIS, SELECTIVE, 4, WITH OR WITHOUT ECTODERMAL DYSPLASIA. Identifiers: Orphanet 99798, MedGen C1835492, MONDO:0007881, OMIM 150400. Disease mechanism: loss of function.
Odonto-onycho-dermal dysplasia. Identifiers: Orphanet 2721, MedGen C0796093, MONDO:0009773, OMIM 257980.

Allele frequency attached by ClinVar (database versions not stated): TOPMed 0.00002; ExAC 0.00116; 1000 Genomes Project 30x 0.00187; 1000 Genomes Project 0.00220.
gnomAD v4.1: 508 of 1,590,534 alleles (0.032%); highest among the groups gnomAD compares: South Asian, 0.53%; 6 homozygotes.

Submissions (6):

Labcorp Genetics (formerly Invitae), Labcorp
Classification: Benign for Tooth agenesis, selective, 4; Odonto-onycho-dermal dysplasia. Last evaluated: 2026-01-22. Review status: criteria provided, single submitter. Criteria: Invitae Variant Classification Sherloc (09022015). Collection method: clinical testing. Allele origin: germline.

Fulgent Genetics
Classification: Likely benign for Tooth agenesis, selective, 4; Schöpf-Schulz-Passarge syndrome; Odonto-onycho-dermal dysplasia. Last evaluated: 2022-01-28. Review status: criteria provided, single submitter. Criteria: ACMG Guidelines, 2015. Collection method: clinical testing. Allele origin: unknown.

Illumina Laboratory Services, Illumina
Classification: Likely benign for Tooth agenesis, selective, 4. Last evaluated: 2018-01-12. Review status: criteria provided, single submitter. Criteria: ICSL Variant Classification Criteria 13 December 2019. Collection method: clinical testing. Allele origin: germline.
Comment: This variant was observed in the ICSL laboratory as part of a predisposition screen in an ostensibly healthy population. It had not been previously curated by ICSL or reported in the Human Gene Mutation Database (HGMD: prior to June 1st, 2018), and was therefore a candidate for classification through an automated scoring system. Utilizing variant allele frequency, disease prevalence and penetrance estimates, and inheritance mode, an automated score was calculated to assess if this variant is too frequent to cause the disease. Based on the score and internal cut-off values, a variant classified as likely benign is not then subjected to further curation. The score for this variant resulted in a classification of likely benign for this disease.

Illumina Laboratory Services, Illumina
Classification: Likely benign for Odonto-onycho-dermal dysplasia. Last evaluated: 2018-01-12. Review status: criteria provided, single submitter. Criteria: ICSL Variant Classification Criteria 13 December 2019. Collection method: clinical testing. Allele origin: germline.
Comment: the same text as in the submission from Illumina Laboratory Services, Illumina above.

Illumina Laboratory Services, Illumina
Classification: Likely benign for Schöpf-Schulz-Passarge syndrome. Last evaluated: 2018-01-12. Review status: criteria provided, single submitter. Criteria: ICSL Variant Classification Criteria 13 December 2019. Collection method: clinical testing. Allele origin: germline.
Comment: the same text as in the submission from Illumina Laboratory Services, Illumina above.

Natera, Inc.
Classification: Benign for Schopf-Schulz-Passarge syndrome. Last evaluated: 2020-09-16. Review status: no assertion criteria provided. Collection method: clinical testing. Allele origin: germline. Not counted in ClinVar's aggregate classification.

NM_025216.3(WNT10A):c.1003G>A (p.Asp335Asn)

Gene: WNT10A (Wnt family member 10A; plus strand). Cytogenetic location: 2q35.
Variant type: single nucleotide variant.
Coding change: c.1003G>A on transcript NM_025216.3 (MANE Select); coding-DNA position 1003, G replaced by A.
Protein change: p.Asp335Asn; replaces aspartic acid 335 with asparagine.
Molecular consequence: missense variant.
Genome position (GRCh38, 1-based): chr2:218,893,020, G>A. VCF-style: chr2-218893020-G-A. GRCh37 (hg19) VCF-style: chr2-219757742-G-A.
Other names: short protein forms D335N.
Identifiers: ClinVar variation 334410 (VCV000334410.16), dbSNP rs545956598, ClinGen allele CA2114088.